The following is an entry in ClinVar:

NM_004370.6(COL12A1):c.4520A>G (p.Tyr1507Cys)

Gene: COL12A1 (collagen type XII alpha 1 chain; minus strand). Cytogenetic location: 6q13.
Variant type: single nucleotide variant.
Coding change: c.4520A>G on transcript NM_004370.6 (MANE Select); coding-DNA position 4520, A replaced by G.
Protein change: p.Tyr1507Cys; replaces tyrosine 1507 with cysteine.
Molecular consequence: missense variant.
Genome position (GRCh38, 1-based): chr6:75,146,142, T>C on the plus strand (A>G on the coding strand, the complement: COL12A1 is on the minus strand). VCF-style: chr6-75146142-T-C. GRCh37 (hg19) VCF-style: chr6-75855858-T-C.
Other names: c.1028A>G, p.Tyr343Cys (NM_080645.3); short protein forms Y343C, Y1507C.
Identifiers: ClinVar variation 959173 (VCV000959173.10), dbSNP rs1767180643, ClinGen allele CA364743605.

ClinVar aggregate classification (germline): Uncertain significance (1 of 4 stars; one submission).

Conditions:
Ullrich congenital muscular dystrophy 2 (UCMD2). Identifiers: Orphanet 75840, MedGen C4225314, MONDO:0014654, OMIM 616470.
Bethlem myopathy 2 (BTHLM2). Identifiers: Orphanet 536516, Orphanet 610, MedGen C4225313, MONDO:0034022, OMIM 616471.

Allele frequency attached by ClinVar (database versions not stated): gnomAD exomes below 0.00001.
gnomAD v4.1: 1 of 1,612,764 alleles (0.000062%); highest among the groups gnomAD compares: Non-Finnish European, 0.000085%; no homozygotes.

Submission:

Labcorp Genetics (formerly Invitae), Labcorp
Classification: Uncertain significance for Bethlem myopathy 2; Ullrich congenital muscular dystrophy 2. Last evaluated: 2023-08-17. Review status: criteria provided, single submitter. Criteria: Invitae Variant Classification Sherloc (09022015). Collection method: clinical testing. Allele origin: germline.
Comment: This variant has not been reported in the literature in individuals affected with COL12A1-related conditions. In summary, the available evidence is currently insufficient to determine the role of this variant in disease. Therefore, it has been classified as a Variant of Uncertain Significance. Advanced modeling of protein sequence and biophysical properties (such as structural, functional, and spatial information, amino acid conservation, physicochemical variation, residue mobility, and thermodynamic stability) has been performed at Invitae for this missense variant, however the output from this modeling did not meet the statistical confidence thresholds required to predict the impact of this variant on COL12A1 protein function. ClinVar contains an entry for this variant (Variation ID: 959173). This variant is not present in population databases (gnomAD no frequency). This sequence change replaces tyrosine, which is neutral and polar, with cysteine, which is neutral and slightly polar, at codon 1507 of the COL12A1 protein (p.Tyr1507Cys).